The following is an entry in ClinVar:

NM_004655.4(AXIN2):c.1200+4_1200+8del

Gene: AXIN2 (axin 2; minus strand). Cytogenetic location: 17q24.1.
Variant type: Deletion.
Coding change: c.1200+4_1200+8del on transcript NM_004655.4 (MANE Select); bases 4 to 8 of the intron after coding-DNA position 1200, 5 bases deleted (ATGCG; older notation c.1200+4_1200+8delATGCG).
Molecular consequence: intron variant.
Genome position (GRCh38, 1-based): chr17:65,538,195-65,538,199, CGCAT deleted on the plus strand (ATGCG on the coding strand, the reverse complement: AXIN2 is on the minus strand). VCF-style (leftmost placement, unchanged base first): chr17-65538194-CCGCAT-C. GRCh37 (hg19) VCF-style: chr17-63534312-CCGCAT-C.
Other names: c.1200+4_1200+8del (NM_001363813.1).
Identifiers: ClinVar variation 4619582 (VCV004619582.1).

ClinVar aggregate classification (germline): Uncertain significance (1 of 4 stars; one submission).

Conditions:
Hereditary cancer-predisposing syndrome. Also called: Neoplastic Syndromes, Hereditary; Tumor predisposition; Hereditary Cancer Syndrome; Hereditary neoplastic syndrome. Identifiers: Orphanet 140162, MedGen C0027672, MeSH D009386, MONDO:0015356.

Submission:

Ambry Genetics
Classification: Uncertain significance for Hereditary cancer-predisposing syndrome. Last evaluated: 2025-10-15. Review status: criteria provided, single submitter. Criteria: Ambry Variant Classification Scheme 2023. Collection method: clinical testing. Allele origin: germline.
Comment: The c.1200+4_1200+8delATGCG intronic variant, located in intron 4 of the AXIN2 gene, results from a deletion of 5 nucleotides within intron 4 of the AXIN2 gene. This nucleotide position is not well conserved in available vertebrate species. In silico splice site analysis predicts that this alteration may result in the creation or strengthening of a novel splice donor site; however, direct evidence is insufficient at this time (Ambry internal data). Based on the available evidence, the clinical significance of this variant remains unclear.